The following is an entry in ClinVar:

NM_000038.6(APC):c.8437A>G (p.Thr2813Ala)

Gene: APC (APC regulator of Wnt signaling pathway; plus strand). Cytogenetic location: 5q22.2.
Variant type: single nucleotide variant.
Coding change: c.8437A>G on transcript NM_000038.6 (MANE Select); coding-DNA position 8437, A replaced by G.
Protein change: p.Thr2813Ala; replaces threonine 2813 with alanine.
Molecular consequence: missense variant.
Genome position (GRCh38, 1-based): chr5:112,844,031, A>G. VCF-style: chr5-112844031-A-G. GRCh37 (hg19) VCF-style: chr5-112179728-A-G.
Other names: c.8437A>G, p.Thr2813Ala (NM_001127510.3, NM_001354895.2); c.8383A>G, p.Thr2795Ala (NM_001127511.3); c.8491A>G, p.Thr2831Ala (NM_001354896.2); c.8467A>G, p.Thr2823Ala (NM_001354897.2); c.8362A>G, p.Thr2788Ala (NM_001354898.2); c.8353A>G, p.Thr2785Ala (NM_001354899.2); c.8314A>G, p.Thr2772Ala (NM_001354900.2); c.8260A>G, p.Thr2754Ala (NM_001354901.2); and 5 more; short protein forms T2530A, T2653A, T2712A, T2722A, T2754A, T2785A, T2788A, T2813A.
Identifiers: ClinVar variation 925110 (VCV000925110.12), dbSNP rs1326143606, ClinGen allele CA16039635.

ClinVar aggregate classification (germline): Uncertain significance. Review status: criteria provided, multiple submitters, no conflicts (2 of 4 stars). 3 submissions from 3 submitters: Uncertain significance (3). Last evaluated 2023-08-25.

Conditions:
Hereditary cancer-predisposing syndrome. Also called: Neoplastic Syndromes, Hereditary; Tumor predisposition; Hereditary Cancer Syndrome; Hereditary neoplastic syndrome. Identifiers: Orphanet 140162, MedGen C0027672, MeSH D009386, MONDO:0015356.
Familial adenomatous polyposis 1 (FAP1). Also called: FAMILIAL ADENOMATOUS POLYPOSIS 1, ATTENUATED; POLYPOSIS, ADENOMATOUS INTESTINAL. Identifiers: MedGen C2713442, MONDO:0021056, OMIM 175100. Disease mechanism: loss of function.

Allele frequency attached by ClinVar (database versions not stated): gnomAD 0.00001; TOPMed 0.00001.
gnomAD v4.1: 2 of 1,602,802 alleles (0.00012%); highest among the groups gnomAD compares: Non-Finnish European, 0.000085%; no homozygotes.

Submissions (3):

Labcorp Genetics (formerly Invitae), Labcorp
Classification: Uncertain significance for Familial adenomatous polyposis 1. Last evaluated: 2023-08-25. Review status: criteria provided, single submitter. Criteria: Invitae Variant Classification Sherloc (09022015). Collection method: clinical testing. Allele origin: germline.
Comment: In summary, the available evidence is currently insufficient to determine the role of this variant in disease. Therefore, it has been classified as a Variant of Uncertain Significance. Advanced modeling of protein sequence and biophysical properties (such as structural, functional, and spatial information, amino acid conservation, physicochemical variation, residue mobility, and thermodynamic stability) performed at Invitae indicates that this missense variant is not expected to disrupt APC protein function. ClinVar contains an entry for this variant (Variation ID: 925110). This variant has not been reported in the literature in individuals affected with APC-related conditions. This variant is not present in population databases (gnomAD no frequency). This sequence change replaces threonine, which is neutral and polar, with alanine, which is neutral and non-polar, at codon 2813 of the APC protein (p.Thr2813Ala).

Color Diagnostics, LLC DBA Color Health
Classification: Uncertain significance for Hereditary cancer-predisposing syndrome. Last evaluated: 2022-02-08. Review status: criteria provided, single submitter. Criteria: ACMG Guidelines, 2015. Collection method: clinical testing. Allele origin: germline.
Comment: This missense variant replaces threonine with alanine at codon 2813 of the APC protein. Computational prediction suggests that this variant may not impact protein structure and function (internally defined REVEL score threshold <= 0.5, PMID: 27666373). To our knowledge, functional studies have not been reported for this variant. This variant has been reported in an individual affected with rhabdomyosarcoma (DOI: 10.21203/rs.3.rs-285585/v1 ). This variant has not been identified in the general population by the Genome Aggregation Database (gnomAD). The available evidence is insufficient to determine the role of this variant in disease conclusively. Therefore, this variant is classified as a Variant of Uncertain Significance.

Ambry Genetics
Classification: Uncertain significance for Hereditary cancer-predisposing syndrome. Last evaluated: 2020-08-18. Review status: criteria provided, single submitter. Criteria: Ambry Variant Classification Scheme 2023. Collection method: clinical testing. Allele origin: germline.
Comment: The p.T2813A variant (also known as c.8437A>G), located in coding exon 15 of the APC gene, results from an A to G substitution at nucleotide position 8437. The threonine at codon 2813 is replaced by alanine, an amino acid with similar properties. This amino acid position is well conserved in available vertebrate species. In addition, in silico predictors for this gene do not accurately predict pathogenicity. Since supporting evidence is limited at this time, the clinical significance of this alteration remains unclear.